The following is an entry in ClinVar:

NM_153766.3(KCNJ1):c.1007G>C (p.Cys336Ser)

Gene: KCNJ1 (potassium inwardly rectifying channel subfamily J member 1; minus strand). Cytogenetic location: 11q24.3.
Variant type: single nucleotide variant.
Coding change: c.1007G>C on transcript NM_153766.3 (MANE Select); coding-DNA position 1007, G replaced by C.
Protein change: p.Cys336Ser; replaces cysteine 336 with serine.
Molecular consequence: missense variant.
Genome position (GRCh38, 1-based): chr11:128,839,237, C>G on the plus strand (G>C on the coding strand, the complement: KCNJ1 is on the minus strand). VCF-style: chr11-128839237-C-G. GRCh37 (hg19) VCF-style: chr11-128709132-C-G.
Other names: c.1064G>C, p.Cys355Ser (NM_000220.6); c.1007G>C, p.Cys336Ser (NM_153764.3, NM_153767.4); c.1058G>C, p.Cys353Ser (NM_153765.3); short protein forms C336S, C353S, C355S.
Identifiers: ClinVar variation 3897410 (VCV003897410.2).

ClinVar aggregate classification (germline): Uncertain significance (1 of 4 stars; one submission).

Submission:

GeneDx
Classification: Uncertain significance. Last evaluated: 2026-09-18. Review status: criteria provided, single submitter. Criteria: GeneDx Variant Classification Process June 2021. Collection method: clinical testing. Allele origin: germline.
Comment: Not observed at significant frequency in large population cohorts (gnomAD); In silico analysis supports that this missense variant has a deleterious effect on protein structure/function; Has not been previously published as pathogenic or benign to our knowledge